The following is an entry in ClinVar:

ClinVar aggregate classification (germline): Uncertain significance (1 of 4 stars; one submission).

Submission:

CeGaT Center for Human Genetics Tuebingen
Classification: Uncertain significance. Last evaluated: 2026-08-01. Review status: criteria provided, single submitter. Criteria: CeGaT Center For Human Genetics Tuebingen Variant Classification Criteria Version 2. Collection method: clinical testing. Allele origin: germline. Affected: yes. Observed: 1 variant allele.
Comment: KIF12: PM2, BP4

NM_001388308.1(KIF12):c.1921G>C (p.Ala641Pro)

Gene: KIF12 (kinesin family member 12; minus strand). Cytogenetic location: 9q32.
Variant type: single nucleotide variant.
Coding change: c.1921G>C on transcript NM_001388308.1 (MANE Select); coding-DNA position 1921, G replaced by C.
Protein change: p.Ala641Pro; replaces alanine 641 with proline.
Molecular consequence: missense variant.
Genome position (GRCh38, 1-based): chr9:114,091,896, C>G on the plus strand (G>C on the coding strand, the complement: KIF12 is on the minus strand). VCF-style: chr9-114091896-C-G. GRCh37 (hg19) VCF-style: chr9-116854176-C-G.
Other names: c.1507G>C, p.Ala503Pro (NM_138424.2); short protein forms A503P, A641P.
Identifiers: ClinVar variation 5040374 (VCV005040374.1).